The following is an entry in ClinVar:

NM_017514.5(PLXNA3):c.1020C>T (p.Phe340=)

Gene: PLXNA3 (plexin A3; plus strand). Cytogenetic location: Xq28.
Variant type: single nucleotide variant.
Coding change: c.1020C>T on transcript NM_017514.5 (MANE Select); coding-DNA position 1020, C replaced by T.
Protein change: p.Phe340=; no amino-acid change (phenylalanine 340 retained).
Molecular consequence: synonymous variant.
Genome position (GRCh38, 1-based): chrX:154,461,524, C>T. VCF-style: chrX-154461524-C-T. GRCh37 (hg19) VCF-style: chrX-153689864-C-T.
Identifiers: ClinVar variation 3057801 (VCV003057801.2), dbSNP rs781938991, ClinGen allele CA10563882.

ClinVar aggregate classification (germline): Likely benign (0 of 4 stars; one submission).

Conditions:
PLXNA3-related disorder. Also called: PLXNA3-related condition.

Allele frequency attached by ClinVar (database versions not stated): gnomAD exomes 0.00002; ExAC 0.00006; gnomAD 0.00017; TOPMed 0.00018; 1000 Genomes Project 0.00026; 1000 Genomes Project 30x 0.00042.
gnomAD v4.1: 46 of 1,210,369 alleles (0.0038%); highest among the groups gnomAD compares: African/African-American, 0.064%; no homozygotes.

Submission:

PreventionGenetics, part of Exact Sciences
Classification: Likely benign for PLXNA3-related condition. Last evaluated: 2022-04-29. Review status: no assertion criteria provided. Collection method: clinical testing. Allele origin: germline.
Comment: This variant is classified as likely benign based on ACMG/AMP sequence variant interpretation guidelines (Richards et al. 2015 PMID: 25741868, with internal and published modifications).